The following is an entry in ClinVar:

ClinVar aggregate classification (germline): Pathogenic. Review status: reviewed by expert panel (3 of 4 stars). 2 submissions from 2 submitters: Pathogenic (1). 1 of the submissions does not count toward it. Last evaluated 2016-10-18.

Conditions:
Breast-ovarian cancer, familial, susceptibility to, 2 (BROVCA2). Also called: BRCA2 Hereditary Breast and Ovarian Cancer. Identifiers: Orphanet 145, MedGen C2675520, MONDO:0012933, OMIM 612555. Disease mechanism: loss of function.

Submissions (2):

Evidence-based Network for the Interpretation of Germline Mutant Alleles (ENIGMA)
Classification: Pathogenic for Breast-ovarian cancer, familial, susceptibility to, 2. Last evaluated: 2016-10-18. Review status: reviewed by expert panel. Criteria: ENIGMA BRCA1/2 Classification Criteria (2015). Collection method: curation. Allele origin: germline.
Comment: Variant allele predicted to encode a truncated non-functional protein.

Consortium of Investigators of Modifiers of BRCA1/2 (CIMBA), c/o University of Cambridge
Classification: Pathogenic for Breast-ovarian cancer, familial, susceptibility to, 2. Last evaluated: 2015-10-02. Review status: criteria provided, single submitter. Criteria: CIMBA Mutation Classification guidelines May 2016. Collection method: clinical testing. Allele origin: germline. Not counted in ClinVar's aggregate classification.

NM_000059.4(BRCA2):c.8798_8802del (p.Arg2933fs)

Gene: BRCA2 (BRCA2 DNA repair associated; plus strand). Cytogenetic location: 13q13.1.
Variant type: Deletion.
Coding change: c.8798_8802del on transcript NM_000059.4 (MANE Select); coding-DNA positions 8798 to 8802, 5 bases deleted (GGCAA; older notation c.8798_8802delGGCAA).
Protein change: p.Arg2933fs; shifts the reading frame from arginine 2933.
Molecular consequence: frameshift variant.
Genome position (GRCh38, 1-based): chr13:32,379,360-32,379,364, GGCAA deleted; deleting any 5 consecutive bases within chr13:32,379,359-32,379,364 gives the same sequence; the c. name uses the placement nearest the transcript's 3' end. VCF-style (leftmost placement, unchanged base first): chr13-32379358-CAGGCA-C. GRCh37 (hg19) VCF-style: chr13-32953495-CAGGCA-C.
Other names: 9026del5-ter2936; short protein forms R2933fs.
Identifiers: ClinVar variation 267107 (VCV000267107.5), dbSNP rs886040792, ClinGen allele CA10589517.